The following is an entry in ClinVar:

NM_001365536.1(SCN9A):c.4607A>T (p.Lys1536Met)

Genes: SCN9A (sodium voltage-gated channel alpha subunit 9; minus strand), SCN1A-AS1 (SCN1A and SCN9A antisense RNA 1; plus strand). Cytogenetic location: 2q24.3.
Variant type: single nucleotide variant.
Coding change: c.4607A>T on transcript NM_001365536.1 (MANE Select); coding-DNA position 4607, A replaced by T.
Protein change: p.Lys1536Met; replaces lysine 1536 with methionine.
Molecular consequence: missense variant.
Genome position (GRCh38, 1-based): chr2:166,204,122, T>A on the plus strand (A>T on the coding strand, the complement: SCN9A is on the minus strand). VCF-style: chr2-166204122-T-A. GRCh37 (hg19) VCF-style: chr2-167060632-T-A.
Other names: c.4574A>T, p.Lys1525Met (NM_002977.4); short protein forms K1525M, K1536M.
Identifiers: ClinVar variation 2925984 (VCV002925984.3), dbSNP rs2468895714, ClinGen allele CA349057711.

ClinVar aggregate classification (germline): Uncertain significance (1 of 4 stars; one submission).

Conditions:
Neuropathy, hereditary sensory and autonomic, type 2A (HSAN2A). Also called: MORVAN DISEASE; NEUROPATHY, CONGENITAL SENSORY; NEUROPATHY, HEREDITARY SENSORY RADICULAR, AUTOSOMAL RECESSIVE; NEUROPATHY, HEREDITARY SENSORY, TYPE IIA; NEUROPATHY, PROGRESSIVE SENSORY, OF CHILDREN; ACROOSTEOLYSIS, GIACCAI TYPE. Identifiers: Orphanet 970, MedGen C2752089, MONDO:0024309, OMIM 201300.
Generalized epilepsy with febrile seizures plus, type 7 (GEFSP7). Also called: GEFS+, TYPE 7. Identifiers: Orphanet 36387, MedGen C2751778, MONDO:0013470, OMIM 613863.

Submission:

Labcorp Genetics (formerly Invitae), Labcorp
Classification: Uncertain significance for Neuropathy, hereditary sensory and autonomic, type 2A; Generalized epilepsy with febrile seizures plus, type 7. Last evaluated: 2024-12-12. Review status: criteria provided, single submitter. Criteria: Invitae Variant Classification Sherloc (09022015). Collection method: clinical testing. Allele origin: germline.
Comment: This sequence change replaces lysine, which is basic and polar, with methionine, which is neutral and non-polar, at codon 1525 of the SCN9A protein (p.Lys1525Met). This variant is not present in population databases (gnomAD no frequency). This variant has not been reported in the literature in individuals affected with SCN9A-related conditions. ClinVar contains an entry for this variant (Variation ID: 2925984). Invitae Evidence Modeling of protein sequence and biophysical properties (such as structural, functional, and spatial information, amino acid conservation, physicochemical variation, residue mobility, and thermodynamic stability) indicates that this missense variant is not expected to disrupt SCN9A protein function with a negative predictive value of 95%. In summary, the available evidence is currently insufficient to determine the role of this variant in disease. Therefore, it has been classified as a Variant of Uncertain Significance.